The following is an entry in ClinVar:

ClinVar aggregate classification (germline): Pathogenic (1 of 4 stars; one submission).

Conditions:
Alstrom syndrome (ALMS). Identifiers: Orphanet 64, MedGen C0268425, MONDO:0008763, OMIM 203800.

Allele frequency attached by ClinVar (database versions not stated): gnomAD exomes below 0.00001.
gnomAD v4.1: 2 of 1,613,438 alleles (0.00012%); highest among the groups gnomAD compares: East Asian, 0.0022%; no homozygotes.

Submission:

Labcorp Genetics (formerly Invitae), Labcorp
Classification: Pathogenic for Alstrom syndrome. Last evaluated: 2023-01-14. Review status: criteria provided, single submitter. Criteria: Invitae Variant Classification Sherloc (09022015). Collection method: clinical testing. Allele origin: germline.
Comment: This variant is present in population databases (no rsID available, gnomAD 0.006%). For these reasons, this variant has been classified as Pathogenic. Algorithms developed to predict the effect of sequence changes on RNA splicing suggest that this variant may disrupt the consensus splice site. ClinVar contains an entry for this variant (Variation ID: 849501). This variant has not been reported in the literature in individuals affected with ALMS1-related conditions. This sequence change creates a premature translational stop signal (p.Gln4126*) in the ALMS1 gene. It is expected to result in an absent or disrupted protein product. Loss-of-function variants in ALMS1 are known to be pathogenic (PMID: 17594715).

Literature cited by the submitters: PubMed 17594715.

NM_001378454.1(ALMS1):c.12373C>T (p.Gln4125Ter)

Gene: ALMS1 (ALMS1 centrosome and basal body associated protein; plus strand). Cytogenetic location: 2p13.1.
Variant type: single nucleotide variant.
Coding change: c.12373C>T on transcript NM_001378454.1 (MANE Select); coding-DNA position 12373, C replaced by T.
Protein change: p.Gln4125Ter; replaces glutamine 4125 with a stop codon.
Molecular consequence: nonsense.
Genome position (GRCh38, 1-based): chr2:73,608,485, C>T. VCF-style: chr2-73608485-C-T. GRCh37 (hg19) VCF-style: chr2-73835612-C-T.
Other names: c.12376C>T, p.Gln4126Ter (NM_015120.4); short protein forms Q4126*, Q4125*.
Identifiers: ClinVar variation 849501 (VCV000849501.8), dbSNP rs1174712970, ClinGen allele CA347274529.